The following is an entry in ClinVar:

ClinVar aggregate classification (germline): Uncertain significance (1 of 4 stars; one submission).

Submission:

Labcorp Genetics (formerly Invitae), Labcorp
Classification: Uncertain significance. Last evaluated: 2023-10-13. Review status: criteria provided, single submitter. Criteria: Invitae Variant Classification Sherloc (09022015). Collection method: clinical testing. Allele origin: germline.
Comment: This sequence change replaces glutamic acid, which is acidic and polar, with lysine, which is basic and polar, at codon 75 of the DRP2 protein (p.Glu75Lys). This variant is not present in population databases (gnomAD no frequency). This variant has not been reported in the literature in individuals affected with DRP2-related conditions. ClinVar contains an entry for this variant (Variation ID: 2008475). Advanced modeling of protein sequence and biophysical properties (such as structural, functional, and spatial information, amino acid conservation, physicochemical variation, residue mobility, and thermodynamic stability) performed at Invitae indicates that this missense variant is not expected to disrupt DRP2 protein function. In summary, the available evidence is currently insufficient to determine the role of this variant in disease. Therefore, it has been classified as a Variant of Uncertain Significance.

NM_001939.3(DRP2):c.223G>A (p.Glu75Lys)

Gene: DRP2 (dystrophin related protein 2; plus strand). Cytogenetic location: Xq22.1.
Variant type: single nucleotide variant.
Coding change: c.223G>A on transcript NM_001939.3 (MANE Select); coding-DNA position 223, G replaced by A.
Protein change: p.Glu75Lys; replaces glutamic acid 75 with lysine.
Molecular consequence: missense variant. On other transcripts: 5 prime UTR variant (1).
Genome position (GRCh38, 1-based): chrX:101,235,965, G>A. VCF-style: chrX-101235965-G-A. GRCh37 (hg19) VCF-style: chrX-100490954-G-A.
Other names: c.-12G>A (NM_001171184.2); short protein forms E75K.
Identifiers: ClinVar variation 2008475 (VCV002008475.4), dbSNP rs2523058520, ClinGen allele CA413910837.